The following is an entry in ClinVar:

ClinVar aggregate classification (germline): Likely benign. Review status: criteria provided, multiple submitters, no conflicts (2 of 4 stars). 4 submissions from 4 submitters: Likely benign (4). Last evaluated 2025-12-01.

Conditions:
Brugada syndrome 5 (BRGDA5). Identifiers: Orphanet 130, Orphanet 871, MedGen C2748541, MONDO:0013015, OMIM 612838.

Allele frequency attached by ClinVar (database versions not stated): gnomAD 0.00005; gnomAD exomes 0.00006 and 0.00012; TOPMed 0.00006; ExAC 0.00009.

Submissions (4):

CeGaT Center for Human Genetics Tuebingen
Classification: Likely benign. Last evaluated: 2025-12-01. Review status: criteria provided, single submitter. Criteria: CeGaT Center For Human Genetics Tuebingen Variant Classification Criteria Version 2. Collection method: clinical testing. Allele origin: germline. Affected: yes. Observed: 2 variant alleles.
Comment: SCN1B: BP4, BP7

Labcorp Genetics (formerly Invitae), Labcorp
Classification: Likely benign for Brugada syndrome 5. Last evaluated: 2025-11-14. Review status: criteria provided, single submitter. Criteria: Invitae Variant Classification Sherloc (09022015). Collection method: clinical testing. Allele origin: germline.

GeneDx
Classification: Likely benign. Last evaluated: 2021-02-15. Review status: criteria provided, single submitter. Criteria: GeneDx Variant Classification Process June 2021. Collection method: clinical testing. Allele origin: germline. Affected: yes.

Breakthrough Genomics
Classification: Likely benign. Review status: criteria provided, single submitter. Criteria: ACMG Guidelines, 2015. Collection method: not provided. Allele origin: germline. Inheritance: Autosomal recessive inheritance. Affected: yes.

NM_001037.5(SCN1B):c.448+140G>A

Gene: SCN1B (sodium voltage-gated channel beta subunit 1; plus strand). Cytogenetic location: 19q13.11.
Variant type: single nucleotide variant.
Coding change: c.448+140G>A on transcript NM_001037.5 (MANE Select); 140 bases into the intron after coding-DNA position 448, G replaced by A.
Molecular consequence: intron variant. On other transcripts: synonymous variant (1).
Genome position (GRCh38, 1-based): chr19:35,033,879, G>A. VCF-style: chr19-35033879-G-A. GRCh37 (hg19) VCF-style: chr19-35524783-G-A.
Other names: c.588G>A, p.Gly196= (NM_199037.5); c.349+140G>A (NM_001321605.2).
Identifiers: ClinVar variation 1155568 (VCV001155568.35), dbSNP rs775648401, ClinGen allele CA9372041.